The following is an entry in ClinVar:

ClinVar aggregate classification (germline): Uncertain significance. Review status: criteria provided, multiple submitters, no conflicts (2 of 4 stars). 4 submissions from 4 submitters: Uncertain significance (4). Last evaluated 2026-01-05.

Conditions:
Otitis media, susceptibility to (OMS). Also called: COME/ROM; OTITIS MEDIA, CHRONIC/RECURRENT. Identifiers: MedGen C1833692, MONDO:0008162, OMIM 166760.

Allele frequency attached by ClinVar (database versions not stated): gnomAD exomes 0.00001 and 0.00002; ExAC 0.00003; gnomAD 0.00013 and 0.00016; ESP Exome Variant Server 0.00016; TOPMed 0.00019.
gnomAD v4.1: 46 of 1,614,100 alleles (0.0028%); highest among the groups gnomAD compares: African/African-American, 0.053%; no homozygotes.

Submissions (4):

Labcorp Genetics (formerly Invitae), Labcorp
Classification: Uncertain significance. Last evaluated: 2026-01-05. Review status: criteria provided, single submitter. Criteria: Invitae Variant Classification Sherloc (09022015). Collection method: clinical testing. Allele origin: germline.
Comment: This sequence change replaces threonine, which is neutral and polar, with isoleucine, which is neutral and non-polar, at codon 1275 of the A2ML1 protein (p.Thr1275Ile). This variant is present in population databases (rs368114048, gnomAD 0.05%). This variant has not been reported in the literature in individuals affected with A2ML1-related conditions. ClinVar contains an entry for this variant (Variation ID: 664742). An algorithm developed to predict the effect of missense changes on protein structure and function (PolyPhen-2) suggests that this variant is likely to be tolerated. In summary, the available evidence is currently insufficient to determine the role of this variant in disease. Therefore, it has been classified as a Variant of Uncertain Significance.

Ambry Genetics
Classification: Uncertain significance. Last evaluated: 2025-06-15. Review status: criteria provided, single submitter. Criteria: Ambry Variant Classification Scheme 2023. Collection method: clinical testing. Allele origin: germline.
Comment: The p.T1275I variant (also known as c.3824C>T), located in coding exon 30 of the A2ML1 gene, results from a C to T substitution at nucleotide position 3824. The threonine at codon 1275 is replaced by isoleucine, an amino acid with similar properties. This amino acid position is conserved. In addition, this alteration is predicted to be tolerated by in silico analysis. Since supporting evidence is limited at this time, the clinical significance of this alteration remains unclear.

Women's Health and Genetics/Laboratory Corporation of America, LabCorp
Classification: Uncertain significance. Last evaluated: 2021-12-14. Review status: criteria provided, single submitter. Criteria: LabCorp Variant Classification Summary - May 2015. Collection method: clinical testing. Allele origin: germline.

Fulgent Genetics
Classification: Uncertain significance for Otitis media, susceptibility to. Last evaluated: 2021-07-12. Review status: criteria provided, single submitter. Criteria: ACMG Guidelines, 2015. Collection method: clinical testing. Allele origin: unknown.

NM_144670.6(A2ML1):c.3824C>T (p.Thr1275Ile)

Gene: A2ML1 (alpha-2-macroglobulin like 1; plus strand). Cytogenetic location: 12p13.31.
Variant type: single nucleotide variant.
Coding change: c.3824C>T on transcript NM_144670.6 (MANE Select); coding-DNA position 3824, C replaced by T.
Protein change: p.Thr1275Ile; replaces threonine 1275 with isoleucine.
Molecular consequence: missense variant.
Genome position (GRCh38, 1-based): chr12:8,867,948, C>T. VCF-style: chr12-8867948-C-T. GRCh37 (hg19) VCF-style: chr12-9020544-C-T.
Other names: c.2351C>T, p.Thr784Ile (NM_001282424.3); c.3824C>T (NM_144670.3); short protein forms T1275I, T784I.
Identifiers: ClinVar variation 664742 (VCV000664742.13), dbSNP rs368114048, ClinGen allele CA6436491.